The following is an entry in ClinVar:

ClinVar aggregate classification (germline): Uncertain significance (1 of 4 stars; one submission).

Conditions:
Neuropathy, hereditary sensory and autonomic, type 1C. Also called: HSAN IC; HSN IC. Identifiers: Orphanet 36386, MedGen C3150896, MONDO:0013337, OMIM 613640.

Allele frequency attached by ClinVar (database versions not stated): gnomAD exomes below 0.00001.
gnomAD v4.1: 1 of 1,614,182 alleles (0.000062%); highest among the groups gnomAD compares: Non-Finnish European, 0.000085%; no homozygotes.

Submission:

Labcorp Genetics (formerly Invitae), Labcorp
Classification: Uncertain significance for Neuropathy, hereditary sensory and autonomic, type 1C. Last evaluated: 2022-02-12. Review status: criteria provided, single submitter. Criteria: Invitae Variant Classification Sherloc (09022015). Collection method: clinical testing. Allele origin: germline.
Comment: In summary, the available evidence is currently insufficient to determine the role of this variant in disease. Therefore, it has been classified as a Variant of Uncertain Significance. Variants that disrupt the consensus splice site are a relatively common cause of aberrant splicing (PMID: 17576681, 9536098). Algorithms developed to predict the effect of sequence changes on RNA splicing suggest that this variant may disrupt the consensus splice site. This variant has not been reported in the literature in individuals affected with SPTLC2-related conditions. This variant is not present in population databases (gnomAD no frequency). This sequence change falls in intron 4 of the SPTLC2 gene. It does not directly change the encoded amino acid sequence of the SPTLC2 protein. It affects a nucleotide within the consensus splice site.

Literature cited by the submitters: PubMed 17576681; PubMed 9536098.

NM_004863.4(SPTLC2):c.631+4A>C

Gene: SPTLC2 (serine palmitoyltransferase long chain base subunit 2; minus strand). Cytogenetic location: 14q24.3.
Variant type: single nucleotide variant.
Coding change: c.631+4A>C on transcript NM_004863.4 (MANE Select); 4 bases into the intron after coding-DNA position 631, A replaced by C.
Molecular consequence: intron variant.
Genome position (GRCh38, 1-based): chr14:77,576,763, T>G on the plus strand (A>C on the coding strand, the complement: SPTLC2 is on the minus strand). VCF-style: chr14-77576763-T-G. GRCh37 (hg19) VCF-style: chr14-78043106-T-G.
Identifiers: ClinVar variation 2097211 (VCV002097211.4), dbSNP rs2503515460, ClinGen allele CA2580088832.